The following is an entry in ClinVar:

NM_004260.4(RECQL4):c.865del (p.Ala289fs)

Gene: RECQL4 (RecQ like helicase 4; minus strand). Cytogenetic location: 8q24.3.
Variant type: Deletion.
Coding change: c.865del on transcript NM_004260.4 (MANE Select); coding-DNA position 865, one base deleted (G; older notation c.865delG).
Protein change: p.Ala289fs; shifts the reading frame from alanine 289.
Molecular consequence: frameshift variant.
Genome position (GRCh38, 1-based): chr8:144,516,254, C deleted on the plus strand (G on the coding strand, the reverse complement: RECQL4 is on the minus strand); the first of 5 consecutive C bases (chr8:144,516,254-144,516,258); deleting any one gives the same sequence. VCF-style (leftmost placement, unchanged base first): chr8-144516253-GC-G. GRCh37 (hg19) VCF-style: chr8-145741637-GC-G.
Other names: c.861delG, p.Ala289Leufs (NM_001413017.1, NM_001413018.1, NM_001413019.1 and 4 more transcripts); c.-211delG (NM_001413021.1, NM_001413022.1, NM_001413023.1 and 7 more transcripts); c.732delG, p.Ala246Leufs (NM_001413025.1); c.-273delG (NM_001413027.1, NM_001413030.1, NM_001413031.1 and 2 more transcripts); c.510delG, p.Ala172Leufs (NM_001413029.1); c.-115delG (NM_001413034.1); c.-480delG (NM_001413043.1); short protein forms A289fs.
Identifiers: ClinVar variation 2141732 (VCV002141732.4), dbSNP rs1238821346, ClinGen allele CA586165523.

ClinVar aggregate classification (germline): Pathogenic (1 of 4 stars; one submission).

Conditions:
Baller-Gerold syndrome (BGS). Also called: CRANIOSYNOSTOSIS WITH RADIAL DEFECTS. Identifiers: Orphanet 1225, MedGen C0265308, MONDO:0009039, OMIM 218600.

Submission:

Labcorp Genetics (formerly Invitae), Labcorp
Classification: Pathogenic for Baller-Gerold syndrome. Last evaluated: 2022-11-01. Review status: criteria provided, single submitter. Criteria: Invitae Variant Classification Sherloc (09022015). Collection method: clinical testing. Allele origin: germline.
Comment: For these reasons, this variant has been classified as Pathogenic. This premature translational stop signal has been observed in individual(s) with B-cell acute lymphoblastic leukemia (PMID: 31604778). This variant is not present in population databases (gnomAD no frequency). This sequence change creates a premature translational stop signal (p.Ala289Leufs*4) in the RECQL4 gene. It is expected to result in an absent or disrupted protein product. Loss-of-function variants in RECQL4 are known to be pathogenic (PMID: 12734318, 12952869).

Literature cited by the submitters: PubMed 31604778; PubMed 12734318; PubMed 12952869.